The following is an entry in ClinVar:

NM_000400.4(ERCC2):c.155T>C (p.Leu52Pro)

Gene: ERCC2 (ERCC excision repair 2, TFIIH core complex helicase subunit; minus strand). Cytogenetic location: 19q13.32.
Variant type: single nucleotide variant.
Coding change: c.155T>C on transcript NM_000400.4 (MANE Select); coding-DNA position 155, T replaced by C.
Protein change: p.Leu52Pro; replaces leucine 52 with proline.
Molecular consequence: missense variant.
Genome position (GRCh38, 1-based): chr19:45,369,098, A>G on the plus strand (T>C on the coding strand, the complement: ERCC2 is on the minus strand). VCF-style: chr19-45369098-A-G. GRCh37 (hg19) VCF-style: chr19-45872356-A-G.
Other names: c.83T>C, p.Leu28Pro (NM_001130867.2); short protein forms L52P, L28P.
Identifiers: ClinVar variation 1775233 (VCV001775233.2), dbSNP rs752144394, ClinGen allele CA9513903.

ClinVar aggregate classification (germline): Uncertain significance (1 of 4 stars; one submission).

Conditions:
Inborn genetic diseases. Identifiers: MedGen C0950123, MeSH D030342.

Allele frequency attached by ClinVar (database versions not stated): gnomAD exomes below 0.00001; ExAC 0.00002.
gnomAD v4.1: 1 of 1,614,172 alleles (0.000062%); highest among the groups gnomAD compares: Non-Finnish European, 0.000085%; no homozygotes.

Submission:

Ambry Genetics
Classification: Uncertain significance for Inborn genetic diseases. Last evaluated: 2021-09-17. Review status: criteria provided, single submitter. Criteria: Ambry Variant Classification Scheme 2023. Collection method: clinical testing. Allele origin: germline.
Comment: The p.L52P variant (also known as c.155T>C), located in coding exon 3 of the ERCC2 gene, results from a T to C substitution at nucleotide position 155. The leucine at codon 52 is replaced by proline, an amino acid with similar properties. This amino acid position is conserved. In addition, this alteration is predicted to be deleterious by in silico analysis. Since supporting evidence is limited at this time, the clinical significance of this alteration remains unclear.